The following is an entry in ClinVar:

ClinVar aggregate classification (germline): Uncertain significance (0 of 4 stars; one submission).

Conditions:
PHIP-related disorder. Also called: PHIP-related condition; PHIP-related disorders.

Submission:

PreventionGenetics, part of Exact Sciences
Classification: Uncertain significance for PHIP-related condition. Last evaluated: 2024-08-11. Review status: no assertion criteria provided. Collection method: clinical testing. Allele origin: germline.
Comment: The PHIP c.4249C>T variant is predicted to result in the amino acid substitution p.His1417Tyr. To our knowledge, this variant has not been reported in the literature or in a large population database, indicating this variant is rare. At this time, the clinical significance of this variant is uncertain due to the absence of conclusive functional and genetic evidence.

NM_017934.7(PHIP):c.4249C>T (p.His1417Tyr)

Genes: IRAK1BP1 (interleukin 1 receptor associated kinase 1 binding protein 1; plus strand), PHIP (PHIP subunit of CUL4-Ring ligase complex; minus strand). Cytogenetic location: 6q14.1.
Variant type: single nucleotide variant.
Coding change: c.4249C>T on transcript NM_017934.7 (MANE Select); coding-DNA position 4249, C replaced by T.
Protein change: p.His1417Tyr; replaces histidine 1417 with tyrosine.
Molecular consequence: missense variant.
Genome position (GRCh38, 1-based): chr6:78,946,832, G>A on the plus strand (C>T on the coding strand, the complement: PHIP is on the minus strand). VCF-style: chr6-78946832-G-A. GRCh37 (hg19) VCF-style: chr6-79656549-G-A.
Other names: short protein forms H1417Y.
Identifiers: ClinVar variation 3356210 (VCV003356210.1).